The following is an entry in ClinVar:

NM_000057.4(BLM):c.1642_1643insGGCCGGGCGCGGTGGCTCACGCCTGTAATCCCAGCACTTTGGGAGGCCGAGGCGGGCGGATCACGAGGTCAGGAGATCGAGACCATCCTGGCTAACACAGTGAAACCCCGNNNNNNNNNNAAAAAAAAAAAAAAAAAAAAAGAAAGAGAAACCC (p.Gln548delinsArgProGlyAlaValAlaHisAlaCysAsnProSerThrLeuGlyGlyArgGlyGlyArgIleThrArgSerGlyAspArgAspHisProGlyTer)

Gene: BLM (BLM RecQ like helicase; plus strand). Cytogenetic location: 15q26.1.
Variant type: Insertion.
Coding change: c.1642_1643insGGCCGGGCGCGGTGGCTCACGCCTGTAATCCCAGCACTTTGGGAGGCCGAGGCGGGCGGATCACGAGGTCAGGAGATCGAGACCATCCTGGCTAACACAGTGAAACCCCGNNNNNNNNNNAAAAAAAAAAAAAAAAAAAAAGAAAGAGAAACCC on transcript NM_000057.4 (MANE Select); coding-DNA positions 1642 to 1643, GGCCGGGCGCGGTGGCTCACGCCTGTAATCCCAGCACTTTGGGAGGCCGAGGCGGGCGGATCACGAGGTCAGGAGATCGAGACCATCCTGGCTAACACAGTGAAACCCCGNNNNNNNNNNAAAAAAAAAAAAAAAAAAAAAGAAAGAGAAACCC inserted.
Protein change: p.Gln548delinsArgProGlyAlaValAlaHisAlaCysAsnProSerThrLeuGlyGlyArgGlyGlyArgIleThrArgSerGlyAspArgAspHisProGlyTer.
Molecular consequence: nonsense.
Genome position: GRCh38: chr15:90,761,015-90,761,016. GRCh37 (hg19): chr15:91,304,245-91,304,246.
Other names: c.1642_1643insGGCCGGGCGCGGTGGCTCACGCCTGTAATCCCAGCACTTTGGGAGGCCGAGGCGGGCGGATCACGAGGTCAGGAGATCGAGACCATCCTGGCTAACACAGTGAAACCCCGNNNNNNNNNNAAAAAAAAAAAAAAAAAAAAAGAAAGAGAAACCC, p.Gln548delinsArgProGlyAlaValAlaHisAlaCysAsnProSerThrLeuGlyGlyArgGlyGlyArgIleThrArgSerGlyAspArgAspHisProGlyTer (NM_001287246.2, NM_001287247.2); c.517_518insGGCCGGGCGCGGTGGCTCACGCCTGTAATCCCAGCACTTTGGGAGGCCGAGGCGGGCGGATCACGAGGTCAGGAGATCGAGACCATCCTGGCTAACACAGTGAAACCCCGNNNNNNNNNNAAAAAAAAAAAAAAAAAAAAAGAAAGAGAAACCC, p.Gln173delinsArgProGlyAlaValAlaHisAlaCysAsnProSerThrLeuGlyGlyArgGlyGlyArgIleThrArgSerGlyAspArgAspHisProGlyTer (NM_001287248.2).
Identifiers: ClinVar variation 1382389 (VCV001382389.6), dbSNP rs2151158629.

ClinVar aggregate classification (germline): Pathogenic (1 of 4 stars; one submission).

Conditions:
Bloom syndrome (BLM). Also called: Bloom-Torre-Machacek syndrome. Identifiers: Orphanet 125, MedGen C0005859, MONDO:0008876, OMIM 210900.

Submission:

Labcorp Genetics (formerly Invitae), Labcorp
Classification: Pathogenic for Bloom syndrome. Last evaluated: 2021-01-15. Review status: criteria provided, single submitter. Criteria: Invitae Variant Classification Sherloc (09022015). Collection method: clinical testing. Allele origin: germline.
Comment: For these reasons, this variant has been classified as Pathogenic. Retrotransposon insertions including LINE1 (L1), Alu, and SVA (SINE-VNTR-Alu) have been reported to be disease-causing through disruption of either a coding region or splice site (PMID: 19763152, 20307669, 22406018) and loss-of-function variants in BLM are known to be pathogenic (PMID: 17407155). Algorithms developed to predict the effect of sequence changes on RNA splicing suggest that this variant may create or strengthen a splice site, but this prediction has not been confirmed by published transcriptional studies. This variant has not been reported in the literature in individuals with BLM-related conditions. This variant is not present in population databases (ExAC no frequency). This sequence change inserts a large fragment of DNA, likely a transposable element, in exon 7 of the BLM gene (c.1642_1643ins?), causing a frameshift at codon 548 (p.Gln548Argfs). The exact size and sequence of the insertion cannot be determined by the current assay. However, the insertion is expected to result in an absent or disrupted protein product.

Literature cited by the submitters: PubMed 19763152; PubMed 20307669; PubMed 22406018; PubMed 17407155.